The following is an entry in ClinVar:

NM_152416.4(NDUFAF6):c.506G>T (p.Arg169Leu)

Gene: NDUFAF6 (NADH:ubiquinone oxidoreductase complex assembly factor 6; plus strand). Cytogenetic location: 8q22.1.
Variant type: single nucleotide variant.
Coding change: c.506G>T on transcript NM_152416.4 (MANE Select); coding-DNA position 506, G replaced by T.
Protein change: p.Arg169Leu; replaces arginine 169 with leucine.
Molecular consequence: missense variant. On other transcripts: non-coding transcript variant (6).
Genome position (GRCh38, 1-based): chr8:95,045,573, G>T. VCF-style: chr8-95045573-G-T. GRCh37 (hg19) VCF-style: chr8-96057801-G-T.
Other names: c.230G>T, p.Arg77Leu (NM_001330582.2, NM_001354514.2, NM_001354515.2 and 1 more transcripts); c.350G>T, p.Arg117Leu (NM_001354516.2); c.173G>T, p.Arg58Leu (NM_001354517.2, NM_001354518.2, NM_001354519.2 and 1 more transcripts); c.50G>T, p.Arg17Leu (NM_001354522.2, NM_001354524.2, NM_001354525.2 and 7 more transcripts); short protein forms R169L, R17L, R58L, R77L, R117L.
Identifiers: ClinVar variation 3187623 (VCV003187623.3), dbSNP rs576681448, ClinGen allele CA4814824.

ClinVar aggregate classification (germline): Conflicting classifications of pathogenicity. Review status: criteria provided, conflicting classifications (1 of 4 stars). 3 submissions from 3 submitters: Uncertain significance (2); Likely benign (1). Last evaluated 2024-12-18.

Conditions:
Inborn genetic diseases. Identifiers: MedGen C0950123, MeSH D030342.

Allele frequency attached by ClinVar (database versions not stated): 1000 Genomes Project 30x 0.00016; 1000 Genomes Project 0.00020.
gnomAD v4.1: 22 of 1,613,220 alleles (0.0014%); highest among the groups gnomAD compares: East Asian, 0.042%; no homozygotes.

Submissions (3):

GeneDx
Classification: Uncertain significance. Last evaluated: 2024-12-18. Review status: criteria provided, single submitter. Criteria: GeneDx Variant Classification Process June 2021. Collection method: clinical testing. Allele origin: germline. Affected: yes.
Comment: In silico analysis supports that this missense variant has a deleterious effect on protein structure/function; Has not been previously published as pathogenic or benign to our knowledge

Ambry Genetics
Classification: Likely benign for Inborn genetic diseases. Last evaluated: 2023-09-26. Review status: criteria provided, single submitter. Criteria: Ambry Variant Classification Scheme 2023. Collection method: clinical testing. Allele origin: germline.

Blueprint Genetics
Classification: Uncertain significance. Last evaluated: 2021-12-02. Review status: criteria provided, single submitter. Criteria: ACMG Guidelines, 2015. Collection method: clinical testing. Allele origin: germline.